The following is an entry in ClinVar:

ClinVar aggregate classification (germline): Pathogenic. Review status: criteria provided, single submitter (1 of 4 stars). 2 submissions from 2 submitters: Pathogenic (1). 1 of the submissions does not count toward it. Last evaluated 2023-04-12.

Conditions:
Combined immunodeficiency due to STK4 deficiency (IMD110). Also called: STK4 DEFICIENCY; MST1 DEFICIENCY; T-cell immunodeficiency, recurrent infections, and autoimmunity with or without cardiac malformations. Identifiers: Orphanet 314689, MedGen C3553943, MONDO:0013934, OMIM 614868.

Submissions (2):

Labcorp Genetics (formerly Invitae), Labcorp
Classification: Pathogenic for Combined immunodeficiency due to STK4 deficiency. Last evaluated: 2023-04-12. Review status: criteria provided, single submitter. Criteria: Invitae Variant Classification Sherloc (09022015). Collection method: clinical testing. Allele origin: germline.
Comment: For these reasons, this variant has been classified as Pathogenic. Algorithms developed to predict the effect of sequence changes on RNA splicing suggest that this variant may create or strengthen a splice site. ClinVar contains an entry for this variant (Variation ID: 37324). This premature translational stop signal has been observed in individual(s) with primary immunodeficiency (PMID: 22174160). It has also been observed to segregate with disease in related individuals. This variant is not present in population databases (gnomAD no frequency). This sequence change creates a premature translational stop signal (p.Met368Argfs*2) in the STK4 gene. It is expected to result in an absent or disrupted protein product. Loss-of-function variants in STK4 are known to be pathogenic (PMID: 22174160).

OMIM
Classification: Pathogenic for IMMUNODEFICIENCY 110 WITH LYMPHOPROLIFERATION. Last evaluated: 2012-04-12. Review status: no assertion criteria provided. Collection method: literature only. Allele origin: germline. Not counted in ClinVar's aggregate classification.

Literature cited by the submitters: PubMed 22174160 (cited by Labcorp Genetics (formerly Invitae), Labcorp and OMIM).

NM_006282.5(STK4):c.1103del (p.Met368fs)

Gene: STK4 (serine/threonine kinase 4; plus strand). Cytogenetic location: 20q13.12.
Variant type: Deletion.
Coding change: c.1103del on transcript NM_006282.5 (MANE Select); coding-DNA position 1103, one base deleted (T; older notation c.1103delT).
Protein change: p.Met368fs; shifts the reading frame from methionine 368.
Molecular consequence: frameshift variant.
Genome position (GRCh38, 1-based): chr20:45,001,309, T deleted. VCF-style (leftmost placement, unchanged base first): chr20-45001308-AT-A. GRCh37 (hg19) VCF-style: chr20-43629949-AT-A.
Other names: c.1103del, p.Met368fs (NM_001352385.2); short protein forms M368fs.
Identifiers: ClinVar variation 37324 (VCV000037324.5), dbSNP rs1601240010, ClinGen allele CA913185060.